The following is an entry in ClinVar:

NM_020311.3(ACKR3):c.772G>A (p.Val258Met)

Gene: ACKR3 (atypical chemokine receptor 3; plus strand). Cytogenetic location: 2q37.3.
Variant type: single nucleotide variant.
Coding change: c.772G>A on transcript NM_020311.3 (MANE Select); coding-DNA position 772, G replaced by A.
Protein change: p.Val258Met; replaces valine 258 with methionine.
Molecular consequence: missense variant.
Genome position (GRCh38, 1-based): chr2:236,581,237, G>A. VCF-style: chr2-236581237-G-A. GRCh37 (hg19) VCF-style: chr2-237489880-G-A.
Other names: short protein forms V258M.
Identifiers: ClinVar variation 585134 (VCV000585134.3), dbSNP rs200582844, ClinGen allele CA351176471.
Genomic context (GRCh38, chr2:236,581,237, plus strand): 5'-GCCATCTCGGCGTCCAGTGACCAGGAGAAGCACAGCAGCCGGAAGATCATCTTCTCCTAC[G>A]TGGTGGTCTTCCTTGTCTGCTGGCTGCCCTACCACGTGGCGGTGCTGCTGGACATCTTCT-3'
Protein context (NP_064707.1, residues 248-268): HSSRKIIFSY[Val258Met]VVFLVCWLPY

ClinVar aggregate classification (germline): Pathogenic (0 of 4 stars; one submission).

Conditions:
Oculomotor-abducens synkinesis. Identifiers: MedGen C5543116, MONDO:0030976, OMIM 619215.

gnomAD v4.1: 2 of 1,614,028 alleles (0.00012%); highest among the groups gnomAD compares: Non-Finnish European, 0.00017%; no homozygotes.

Submission:

OMIM
Classification: Pathogenic for OCULOMOTOR-ABDUCENS SYNKINESIS (1 family). Last evaluated: 2021-03-04. Review status: no assertion criteria provided. Collection method: literature only. Allele origin: germline.

Literature cited by the submitters: PubMed 31211835 (cited by OMIM).